The following is an entry in ClinVar:

NM_005267.5(GJA8):c.1105G>T (p.Gly369Trp)

Gene: GJA8 (gap junction protein alpha 8; plus strand). Cytogenetic location: 1q21.2.
Variant type: single nucleotide variant.
Coding change: c.1105G>T on transcript NM_005267.5 (MANE Select); coding-DNA position 1105, G replaced by T.
Protein change: p.Gly369Trp; replaces glycine 369 with tryptophan.
Molecular consequence: missense variant.
Genome position (GRCh38, 1-based): chr1:147,909,060, G>T. VCF-style: chr1-147909060-G-T. GRCh37 (hg19) VCF-style: chr1-147381187-G-T.
Other names: short protein forms G369W.
Identifiers: ClinVar variation 874253 (VCV000874253.6), dbSNP rs781881392, ClinGen allele CA1066087.

ClinVar aggregate classification (germline): Conflicting classifications of pathogenicity. Review status: criteria provided, conflicting classifications (1 of 4 stars). 3 submissions from 3 submitters: Uncertain significance (1); Benign (1). 1 of the submissions does not count toward it. Last evaluated 2023-12-18.

Conditions:
Cataract 1 multiple types. Also called: CATARACT, DUFFY-LINKED; CATARACT 1, POSTERIOR SUBCAPSULAR, WITH MICROCORNEA; CATARACT 1, STELLATE NUCLEAR, WITH MICROCORNEA; CATARACT 1, NUCLEAR PROGRESSIVE; CATARACT 1 WITH MICROCORNEA; CATARACT 1, MULTIPLE TYPES, WITH OR WITHOUT MICROCORNEA. Identifiers: Orphanet 1377, MedGen C1861828, MONDO:0007285, OMIM 116200.
GJA8-related disorder. Also called: GJA8-related condition.
Inborn genetic diseases. Identifiers: MedGen C0950123, MeSH D030342.

Allele frequency attached by ClinVar (database versions not stated): TOPMed 0.00009.
gnomAD v4.1: 23 of 1,604,162 alleles (0.0014%); highest among the groups gnomAD compares: Middle Eastern, 0.017%; no homozygotes.

Submissions (3):

Ambry Genetics
Classification: Uncertain significance for Inborn genetic diseases. Last evaluated: 2023-12-18. Review status: criteria provided, single submitter. Criteria: Ambry Variant Classification Scheme 2023. Collection method: clinical testing. Allele origin: germline.

Illumina Laboratory Services, Illumina
Classification: Benign for Cataract 1 multiple types. Last evaluated: 2018-01-13. Review status: criteria provided, single submitter. Criteria: ICSL Variant Classification Criteria 13 December 2019. Collection method: clinical testing. Allele origin: germline.
Comment: This variant was observed in the ICSL laboratory as part of a predisposition screen in an ostensibly healthy population. It had not been previously curated by ICSL or reported in the Human Gene Mutation Database (HGMD: prior to June 1st, 2018), and was therefore a candidate for classification through an automated scoring system. Utilizing variant allele frequency, disease prevalence and penetrance estimates, and inheritance mode, an automated score was calculated to assess if this variant is too frequent to cause the disease. Based on the score and internal cut-off values, a variant classified as benign is not then subjected to further curation. The score for this variant resulted in a classification of benign for this disease.

PreventionGenetics, part of Exact Sciences
Classification: Uncertain significance for GJA8-related condition. Last evaluated: 2024-03-14. Review status: no assertion criteria provided. Collection method: clinical testing. Allele origin: germline. Not counted in ClinVar's aggregate classification.
Comment: The GJA8 c.1105G>T variant is predicted to result in the amino acid substitution p.Gly369Trp. To our knowledge, this variant has not been reported in the literature. This variant is reported in 0.013% of alleles in individuals of African descent in gnomAD. Although we suspect that this variant may be benign, at this time, the clinical significance of this variant is uncertain due to the absence of conclusive functional and genetic evidence.